The following is an entry in ClinVar:

ClinVar aggregate classification (germline): Uncertain significance (1 of 4 stars; one submission).

Conditions:
Familial cancer of breast. Also called: hereditary breast carcinoma; BREAST CANCER, FAMILIAL; Hereditary breast cancer. Identifiers: Orphanet 227535, MedGen C0346153, MONDO:0016419, OMIM 114480. Disease mechanism: loss of function.
Fanconi anemia complementation group J. Also called: BRIP1-Related Fanconi Anemia. Identifiers: Orphanet 84, MedGen C1836860, MONDO:0012187, OMIM 609054.

Submission:

Labcorp Genetics (formerly Invitae), Labcorp
Classification: Uncertain significance for Familial cancer of breast; Fanconi anemia complementation group J. Last evaluated: 2019-03-02. Review status: criteria provided, single submitter. Criteria: Invitae Variant Classification Sherloc (09022015). Collection method: clinical testing. Allele origin: germline.
Comment: This variant is not present in population databases (ExAC no frequency). In summary, the available evidence is currently insufficient to determine the role of this variant in disease. Therefore, it has been classified as a Variant of Uncertain Significance. Algorithms developed to predict the effect of missense changes on protein structure and function are either unavailable or do not agree on the potential impact of this missense change (SIFT: "Deleterious"; PolyPhen-2: "Possibly Damaging"; Align-GVGD: "Class C0"). This variant has not been reported in the literature in individuals with BRIP1-related conditions. This sequence change replaces asparagine with lysine at codon 852 of the BRIP1 protein (p.Asn852Lys). The asparagine residue is highly conserved and there is a moderate physicochemical difference between asparagine and lysine.

NM_032043.3(BRIP1):c.2556C>G (p.Asn852Lys)

Gene: BRIP1 (BRCA1 interacting DNA helicase 1; minus strand). Cytogenetic location: 17q23.2.
Variant type: single nucleotide variant.
Coding change: c.2556C>G on transcript NM_032043.3 (MANE Select); coding-DNA position 2556, C replaced by G.
Protein change: p.Asn852Lys; replaces asparagine 852 with lysine.
Molecular consequence: missense variant.
Genome position (GRCh38, 1-based): chr17:61,693,449, G>C on the plus strand (C>G on the coding strand, the complement: BRIP1 is on the minus strand). VCF-style: chr17-61693449-G-C. GRCh37 (hg19) VCF-style: chr17-59770810-G-C.
Other names: short protein forms N852K.
Identifiers: ClinVar variation 850527 (VCV000850527.10), dbSNP rs876658785, ClinGen allele CA400482376.